The following is an entry in ClinVar:

ClinVar aggregate classification (germline): Uncertain significance. Review status: criteria provided, multiple submitters, no conflicts (2 of 4 stars). 2 submissions from 2 submitters: Uncertain significance (2). Last evaluated 2025-03-07.

Allele frequency attached by ClinVar (database versions not stated): ExAC 0.00001; gnomAD 0.00001; gnomAD exomes 0.00001; TOPMed 0.00001.
gnomAD v4.1: 17 of 1,613,756 alleles (0.0011%); highest among the groups gnomAD compares: Admixed American, 0.0017%; no homozygotes.

Submissions (2):

Ambry Genetics
Classification: Uncertain significance. Last evaluated: 2025-03-07. Review status: criteria provided, single submitter. Criteria: Ambry Variant Classification Scheme 2023. Collection method: clinical testing. Allele origin: germline.
Comment: The p.M580T variant (also known as c.1739T>C), located in coding exon 18 of the SRP72 gene, results from a T to C substitution at nucleotide position 1739. The methionine at codon 580 is replaced by threonine, an amino acid with similar properties. This amino acid position is conserved. In addition, this alteration is predicted to be deleterious by in silico analysis. Based on the available evidence, the clinical significance of this variant remains unclear.

Labcorp Genetics (formerly Invitae), Labcorp
Classification: Uncertain significance. Last evaluated: 2023-05-13. Review status: criteria provided, single submitter. Criteria: Invitae Variant Classification Sherloc (09022015). Collection method: clinical testing. Allele origin: germline.
Comment: In summary, the available evidence is currently insufficient to determine the role of this variant in disease. Therefore, it has been classified as a Variant of Uncertain Significance. Advanced modeling of protein sequence and biophysical properties (such as structural, functional, and spatial information, amino acid conservation, physicochemical variation, residue mobility, and thermodynamic stability) performed at Invitae indicates that this missense variant is not expected to disrupt SRP72 protein function. This variant has not been reported in the literature in individuals affected with SRP72-related conditions. This variant is present in population databases (rs770285021, gnomAD 0.003%). This sequence change replaces methionine, which is neutral and non-polar, with threonine, which is neutral and polar, at codon 580 of the SRP72 protein (p.Met580Thr).

NM_006947.4(SRP72):c.1739T>C (p.Met580Thr)

Gene: SRP72 (signal recognition particle 72; plus strand). Cytogenetic location: 4q12.
Variant type: single nucleotide variant.
Coding change: c.1739T>C on transcript NM_006947.4 (MANE Select); coding-DNA position 1739, T replaced by C.
Protein change: p.Met580Thr; replaces methionine 580 with threonine.
Molecular consequence: missense variant. On other transcripts: non-coding transcript variant (1).
Genome position (GRCh38, 1-based): chr4:56,500,596, T>C. VCF-style: chr4-56500596-T-C. GRCh37 (hg19) VCF-style: chr4-57366762-T-C.
Other names: c.1556T>C, p.Met519Thr (NM_001267722.2); c.1739T>C (NM_006947.3); short protein forms M519T, M580T.
Identifiers: ClinVar variation 2976635 (VCV002976635.4), dbSNP rs770285021, ClinGen allele CA2931469.